The following is an entry in ClinVar:

ClinVar aggregate classification (germline): Uncertain significance (1 of 4 stars; one submission).

Conditions:
Duchenne muscular dystrophy (DMD). Also called: MUSCULAR DYSTROPHY, PSEUDOHYPERTROPHIC PROGRESSIVE, DUCHENNE TYPE; Duchenne Muscular Dystrophy (DMD). Identifiers: Orphanet 98896, MedGen C0013264, MONDO:0010679, OMIM 310200.

Submission:

Labcorp Genetics (formerly Invitae), Labcorp
Classification: Uncertain significance for Duchenne muscular dystrophy. Last evaluated: 2024-10-22. Review status: criteria provided, single submitter. Criteria: Invitae Variant Classification Sherloc (09022015). Collection method: clinical testing. Allele origin: germline.
Comment: This sequence change replaces glutamic acid, which is acidic and polar, with valine, which is neutral and non-polar, at codon 1120 of the DMD protein (p.Glu1120Val). This variant is not present in population databases (gnomAD no frequency). This variant has not been reported in the literature in individuals affected with DMD-related conditions. Invitae Evidence Modeling of protein sequence and biophysical properties (such as structural, functional, and spatial information, amino acid conservation, physicochemical variation, residue mobility, and thermodynamic stability) indicates that this missense variant is not expected to disrupt DMD protein function with a negative predictive value of 95%. In summary, the available evidence is currently insufficient to determine the role of this variant in disease. Therefore, it has been classified as a Variant of Uncertain Significance.

NM_004006.3(DMD):c.3359A>T (p.Glu1120Val)

Gene: DMD (dystrophin; minus strand). Cytogenetic location: Xp21.1.
Variant type: single nucleotide variant.
Coding change: c.3359A>T on transcript NM_004006.3 (MANE Select); coding-DNA position 3359, A replaced by T.
Protein change: p.Glu1120Val; replaces glutamic acid 1120 with valine.
Molecular consequence: missense variant.
Genome position (GRCh38, 1-based): chrX:32,463,512, T>A on the plus strand (A>T on the coding strand, the complement: DMD is on the minus strand). VCF-style: chrX-32463512-T-A. GRCh37 (hg19) VCF-style: chrX-32481629-T-A.
Other names: c.3335A>T, p.Glu1112Val (NM_000109.4); c.3347A>T, p.Glu1116Val (NM_004009.3); c.2990A>T, p.Glu997Val (NM_004010.3); short protein forms E1116V, E1120V, E997V, E1112V.
Identifiers: ClinVar variation 3634842 (VCV003634842.2).